The following is an entry in ClinVar:

ClinVar aggregate classification (germline): Uncertain significance. Review status: criteria provided, single submitter (1 of 4 stars). 2 submissions from 2 submitters: Uncertain significance (1). 1 of the submissions does not count toward it. Last evaluated 2025-11-13.

Conditions:
NAV2-related disorder. Also called: NAV2-related condition.

Allele frequency attached by ClinVar (database versions not stated): 1000 Genomes Project 30x 0.00234; TOPMed 0.00282; gnomAD exomes 0.00023; ExAC 0.00083; ESP Exome Variant Server 0.00231; 1000 Genomes Project 0.00280; gnomAD 0.00266.
gnomAD v4.1: 749 of 1,614,142 alleles (0.046%); highest among the groups gnomAD compares: African/African-American, 0.93%; 3 homozygotes.

Submissions (2):

Ambry Genetics
Classification: Uncertain significance. Last evaluated: 2025-11-13. Review status: criteria provided, single submitter. Criteria: Ambry Variant Classification Scheme 2023. Collection method: clinical testing. Allele origin: germline.

PreventionGenetics, part of Exact Sciences
Classification: Benign for NAV2-related condition. Last evaluated: 2020-01-13. Review status: no assertion criteria provided. Collection method: clinical testing. Allele origin: germline. Not counted in ClinVar's aggregate classification.
Comment: This variant is classified as benign based on ACMG/AMP sequence variant interpretation guidelines (Richards et al. 2015 PMID: 25741868, with internal and published modifications).

NM_145117.5(NAV2):c.1880C>G (p.Thr627Ser)

Gene: NAV2 (neuron navigator 2; plus strand). Cytogenetic location: 11p15.1.
Variant type: single nucleotide variant.
Coding change: c.1880C>G on transcript NM_145117.5 (MANE Select); coding-DNA position 1880, C replaced by G.
Protein change: p.Thr627Ser; replaces threonine 627 with serine.
Molecular consequence: missense variant.
Genome position (GRCh38, 1-based): chr11:19,934,124, C>G. VCF-style: chr11-19934124-C-G. GRCh37 (hg19) VCF-style: chr11-19955670-C-G.
Other names: c.1688C>G, p.Thr563Ser (NM_001111018.2); c.1949C>G, p.Thr650Ser (NM_001244963.2); c.1880C>G, p.Thr627Ser (NM_182964.6); c.1880C>G (NM_145117.4); short protein forms T563S, T627S, T650S.
Identifiers: ClinVar variation 3043956 (VCV003043956.3), dbSNP rs139081933, ClinGen allele CA5917976.
Genomic context (GRCh38, chr11:19,934,124, plus strand): 5'-GCAGACACTCCAGTTCCTCTTCCAGCCTGGCGTCCTCAGAAGGAAAAGGCCCAGGAGGGA[C>G]CACCCTGAACCACAGCATCAGCAGCCAGACTGTCAGTGGGTCTGTCGGGACCACCCAGAC-3'
Protein context (NP_660093.2, residues 617-637): ASSEGKGPGG[Thr627Ser]TLNHSISSQT